The following is an entry in ClinVar:

NM_000092.5(COL4A4):c.3704del (p.Pro1235fs)

Gene: COL4A4 (collagen type IV alpha 4 chain; minus strand). Cytogenetic location: 2q36.3.
Variant type: Deletion.
Coding change: c.3704del on transcript NM_000092.5 (MANE Select); coding-DNA position 3704, one base deleted (C; older notation c.3704delC).
Protein change: p.Pro1235fs; shifts the reading frame from proline 1235.
Molecular consequence: frameshift variant.
Genome position (GRCh38, 1-based): chr2:227,032,150, G deleted on the plus strand (C on the coding strand, the reverse complement: COL4A4 is on the minus strand); the first of 5 consecutive G bases (chr2:227,032,150-227,032,154); deleting any one gives the same sequence. VCF-style (leftmost placement, unchanged base first): chr2-227032149-TG-T. GRCh37 (hg19) VCF-style: chr2-227896865-TG-T.
Other names: c.3704delC (NM_000092.4); short protein forms P1235fs.
Identifiers: ClinVar variation 964465 (VCV000964465.14), dbSNP rs754706338, ClinGen allele CA1139657716.
Genomic context (GRCh38, chr2:227,032,149, plus strand): 5'-TGCATTTGGAAGGTTTTGGTTTAGTTATTGAAAGAAGGGCAAAGCATGCTACAGCTTACC[TG>T]GGGGTCCTGGGGGACCTTTCTTTCCACGAGGACCTGGAGGAGAGATTCCTGGGCTCCCAG-3'

ClinVar aggregate classification (germline): Pathogenic. Review status: criteria provided, multiple submitters, no conflicts (2 of 4 stars). 7 submissions from 6 submitters: Pathogenic (4). 3 of the submissions do not count toward it. Last evaluated 2025-12-10.

Conditions:
COL4A4-related disorder.
Disease of glomerular basement membrane. Identifiers: MONDO:0019723.
Hematuria, benign familial, 1 (BFH1). Also called: THIN MEMBRANE NEPHROPATHY. Identifiers: MedGen CN376803, MONDO:0007709, OMIM 141200.
Autosomal recessive Alport syndrome (ATS2). Also called: COL4A3-Related Nephropathy; Alport syndrome type 2; COL4A4 Alport Syndrome and Thin Basement Membrane Nephropathy; ALPORT SYNDROME 2, AUTOSOMAL RECESSIVE. Identifiers: Orphanet 63, Orphanet 88919, MedGen C4746745, MONDO:0008762, OMIM 203780.
Inborn genetic diseases. Identifiers: MedGen C0950123, MeSH D030342.
Focal segmental glomerulosclerosis (FSGS). Also called: Glomerulosclerosis, focal; Focal sclerosis with hyalinosis. Identifiers: MedGen C0017668, MONDO:0100313, HP:0000097. Disease mechanism: loss of function.

Submissions (7):

Labcorp Genetics (formerly Invitae), Labcorp
Classification: Pathogenic. Last evaluated: 2025-12-10. Review status: criteria provided, single submitter. Criteria: Invitae Variant Classification Sherloc (09022015). Collection method: clinical testing. Allele origin: germline.
Comment: This sequence change creates a premature translational stop signal (p.Pro1235Glnfs*53) in the COL4A4 gene. It is expected to result in an absent or disrupted protein product. Loss-of-function variants in COL4A4 are known to be pathogenic (PMID: 21196518, 24854265, 25307543). This variant is not present in population databases (gnomAD no frequency). This premature translational stop signal has been observed in individual(s) with bilateral kidney cysts (PMID: 31922066). ClinVar contains an entry for this variant (Variation ID: 964465). For these reasons, this variant has been classified as Pathogenic.

Ambry Genetics
Classification: Pathogenic for Inborn genetic diseases. Last evaluated: 2025-02-03. Review status: criteria provided, single submitter. Criteria: Ambry Variant Classification Scheme 2023. Collection method: clinical testing. Allele origin: germline.
Comment: The c.3704delC (p.P1235Qfs*53) alteration, located in exon 39 (coding exon 38) of the COL4A4 gene, consists of a deletion of one nucleotide at position 3704, causing a translational frameshift with a predicted alternate stop codon after 53 amino acids. This alteration is expected to result in loss of function by premature protein truncation or nonsense-mediated mRNA decay. This variant was not reported in population-based cohorts in the Genome Aggregation Database (gnomAD). This variant has been identified in trans with another COL4A4 variant in an individual who met clinical criteria for COL4A4-related Alport syndrome (Rao, 2019). This variant has also been identified in the heterozygous state in an individual with chronic kidney disease (Gulati, 2020). Based on the available evidence, this alteration is classified as pathogenic.

Fulgent Genetics
Classification: Pathogenic for Hematuria, benign familial, 1; Autosomal recessive Alport syndrome. Last evaluated: 2024-04-26. Review status: criteria provided, single submitter. Criteria: ACMG Guidelines, 2015. Collection method: clinical testing. Allele origin: germline.

GeneDx
Classification: Pathogenic. Last evaluated: 2024-02-01. Review status: criteria provided, single submitter. Criteria: GeneDx Variant Classification Process June 2021. Collection method: clinical testing. Allele origin: germline. Affected: yes.
Comment: Frameshift variant predicted to result in protein truncation or nonsense mediated decay in a gene for which loss-of-function is a known mechanism of disease; Not observed at significant frequency in large population cohorts (gnomAD); This variant is associated with the following publications: (PMID: 31922066, 31328266)

PreventionGenetics, part of Exact Sciences
Classification: Pathogenic for COL4A4-related condition. Last evaluated: 2024-07-27. Review status: no assertion criteria provided. Collection method: clinical testing. Allele origin: germline. Not counted in ClinVar's aggregate classification.
Comment: The COL4A4 c.3704delC variant is predicted to result in a frameshift and premature protein termination (p.Pro1235Glnfs*53). This variant has been reported in the compound heterozygous state along with a second truncating variant in a patient with COL4A4-related kidney disease (Table S3 of Rao et al. 2019. PubMed ID: 31328266) and in the heterozygous state in a patient with thin glomerular basement membrane who also had a family history of kidney disease (Gulati et al. 2020. PubMed ID: 31922066). At PreventionGenetics, we have observed this variant in the heterozygous state in patients with focal segmental glomerulosclerosis (FSGS). This variant has not been reported in a large population database, indicating this variant is rare. Frameshift variants in COL4A4 are expected to be pathogenic. This variant is interpreted as pathogenic.

Yale Center for Mendelian Genomics, Yale University
Classification: Likely pathogenic for Focal segmental glomerulosclerosis. Last evaluated: 2020-05-03. Review status: no assertion criteria provided. Collection method: literature only. Allele origin: germline. Affected: yes. Observed: 1 heterozygote. Study: Yale Center for Mendelian Genomics. Not counted in ClinVar's aggregate classification.

Yale Center for Mendelian Genomics, Yale University
Classification: Pathogenic for Disease of glomerular basement membrane. Last evaluated: 2019-09-11. Review status: no assertion criteria provided. Collection method: literature only. Allele origin: unknown. Affected: yes. Observed: 1 heterozygote. Study: Yale Center for Mendelian Genomics. Not counted in ClinVar's aggregate classification.

Literature cited by the submitters: PubMed 21196518 (cited by Labcorp Genetics (formerly Invitae), Labcorp); PubMed 24854265 (cited by Labcorp Genetics (formerly Invitae), Labcorp); PubMed 25307543 (cited by Labcorp Genetics (formerly Invitae), Labcorp); PubMed 31922066 (cited by 3 submitters); PubMed 31328266 (cited by Ambry Genetics); PubMed 31049720 (cited by Yale Center for Mendelian Genomics, Yale University).